The following is an entry in ClinVar:

NM_006949.4(STXBP2):c.650C>G (p.Pro217Arg)

Gene: STXBP2 (syntaxin binding protein 2; plus strand). Cytogenetic location: 19p13.2.
Variant type: single nucleotide variant.
Coding change: c.650C>G on transcript NM_006949.4 (MANE Select); coding-DNA position 650, C replaced by G.
Protein change: p.Pro217Arg; replaces proline 217 with arginine.
Molecular consequence: missense variant. On other transcripts: non-coding transcript variant (1).
Genome position (GRCh38, 1-based): chr19:7,642,105, C>G. VCF-style: chr19-7642105-C-G. GRCh37 (hg19) VCF-style: chr19-7706991-C-G.
Other names: c.641C>G, p.Pro214Arg (NM_001127396.3); c.683C>G, p.Pro228Arg (NM_001272034.2); short protein forms P217R, P228R, P214R.
Identifiers: ClinVar variation 1450961 (VCV001450961.5), dbSNP rs1243481529, ClinGen allele CA403158665.

ClinVar aggregate classification (germline): Uncertain significance (1 of 4 stars; one submission).

Conditions:
Familial hemophagocytic lymphohistiocytosis 5. Also called: STXBP2-Related Familial Hemophagocytic Lymphohistiocytosis (STXBP2-fHLH). Identifiers: Orphanet 540, MedGen C2751293, MONDO:0013135, OMIM 613101.

Allele frequency attached by ClinVar (database versions not stated): gnomAD exomes below 0.00001; gnomAD 0.00001 and 0.00002.
gnomAD v4.1: 4 of 1,613,986 alleles (0.00025%); highest among the groups gnomAD compares: African/African-American, 0.0053%; no homozygotes.

Submission:

Labcorp Genetics (formerly Invitae), Labcorp
Classification: Uncertain significance for Familial hemophagocytic lymphohistiocytosis 5. Last evaluated: 2021-09-01. Review status: criteria provided, single submitter. Criteria: Invitae Variant Classification Sherloc (09022015). Collection method: clinical testing. Allele origin: germline.
Comment: This sequence change replaces proline with arginine at codon 217 of the STXBP2 protein (p.Pro217Arg). The proline residue is highly conserved and there is a moderate physicochemical difference between proline and arginine. This variant is not present in population databases (ExAC no frequency). This variant has not been reported in the literature in individuals affected with STXBP2-related conditions. Algorithms developed to predict the effect of missense changes on protein structure and function are either unavailable or do not agree on the potential impact of this missense change (SIFT: "Deleterious"; PolyPhen-2: "Probably Damaging"; Align-GVGD: "Class C0"). In summary, the available evidence is currently insufficient to determine the role of this variant in disease. Therefore, it has been classified as a Variant of Uncertain Significance.